The following is an entry in ClinVar:

NM_001159390.2(GUK1):c.217+12G>A

Gene: GUK1 (guanylate kinase 1; plus strand). Cytogenetic location: 1q42.13.
Variant type: single nucleotide variant.
Coding change: c.217+12G>A on transcript NM_001159390.2 (MANE Select); 12 bases into the intron after coding-DNA position 217, G replaced by A.
Molecular consequence: intron variant.
Genome position (GRCh38, 1-based): chr1:228,146,079, G>A. VCF-style: chr1-228146079-G-A. GRCh37 (hg19) VCF-style: chr1-228333780-G-A.
Other names: c.154+12G>A (NM_001242839.1, NM_000858.7, NM_001159391.3); c.217+12G>A (NM_001242840.3).
Identifiers: ClinVar variation 5040271 (VCV005040271.1).

ClinVar aggregate classification (germline): Likely benign (1 of 4 stars; one submission).

Submission:

CeGaT Center for Human Genetics Tuebingen
Classification: Likely benign. Last evaluated: 2026-07-01. Review status: criteria provided, single submitter. Criteria: CeGaT Center For Human Genetics Tuebingen Variant Classification Criteria Version 2. Collection method: clinical testing. Allele origin: germline. Affected: yes. Observed: 1 variant allele.
Comment: GUK1: BP4